The following is an entry in ClinVar:

NM_033380.3(COL4A5):c.231+2T>C

Gene: COL4A5 (collagen type IV alpha 5 chain; plus strand). Cytogenetic location: Xq22.3.
Variant type: single nucleotide variant.
Coding change: c.231+2T>C on transcript NM_033380.3 (MANE Select); the canonical splice donor site of the intron after coding-DNA position 231, T replaced by C.
Molecular consequence: splice donor variant.
Genome position (GRCh38, 1-based): chrX:108,559,155, T>C. VCF-style: chrX-108559155-T-C. GRCh37 (hg19) VCF-style: chrX-107802385-T-C.
Other names: c.231+2T>C (NM_000495.5).
Identifiers: ClinVar variation 1438782 (VCV001438782.11), dbSNP rs763538451, ClinGen allele CA10488384.

ClinVar aggregate classification (germline): Pathogenic/Likely pathogenic. Review status: criteria provided, multiple submitters, no conflicts (2 of 4 stars). 2 submissions from 2 submitters: Pathogenic (1); Likely pathogenic (1). Last evaluated 2023-04-06.

Conditions:
X-linked Alport syndrome (ATS1). Also called: COL4A5-Related Nephropathy; NEPHROPATHY AND DEAFNESS, X-LINKED. Identifiers: Orphanet 63, Orphanet 88917, MedGen C4746986, MONDO:0010520, OMIM 301050.

Allele frequency attached by ClinVar (database versions not stated): ExAC 0.00001; gnomAD exomes 0.00001; gnomAD 0.00002; TOPMed 0.00002.
gnomAD v4.1: 20 of 1,193,548 alleles (0.0017%); highest among the groups gnomAD compares: African/African-American, 0.007%; no homozygotes.

Submissions (3):

Labcorp Genetics (formerly Invitae), Labcorp
Classification: Pathogenic. Last evaluated: 2023-04-06. Review status: criteria provided, single submitter. Criteria: Invitae Variant Classification Sherloc (09022015). Collection method: clinical testing. Allele origin: germline.
Comment: This sequence change affects a donor splice site in intron 3 of the COL4A5 gene. It is expected to disrupt RNA splicing. Variants that disrupt the donor or acceptor splice site typically lead to a loss of protein function (PMID: 16199547), and loss-of-function variants in COL4A5 are known to be pathogenic (PMID: 9195222, 10752524, 14514738, 24854265, 26809805). This variant is present in population databases (rs763538451, gnomAD 0.008%), including at least one homozygous and/or hemizygous individual. Disruption of this splice site has been observed in individuals with clinical features of Alport syndrome (PMID: 11223851, 26809805). ClinVar contains an entry for this variant (Variation ID: 1438782). For these reasons, this variant has been classified as Pathogenic.

Fulgent Genetics
Classification: Likely pathogenic for X-linked Alport syndrome. Last evaluated: 2022-03-14. Review status: criteria provided, single submitter. Criteria: ACMG Guidelines, 2015. Collection method: clinical testing. Allele origin: unknown.

Dr. Peter K. Rogan Lab, Western University
No classification provided (evidence only). Condition: Thyroid cancer, nonmedullary, 1. Review status: no classification provided. Collection method: in vitro. Allele origin: not applicable. Functional consequence: retained intron. Not counted in ClinVar's aggregate classification.

Literature cited by the submitters: PubMed 16199547 (cited by Labcorp Genetics (formerly Invitae), Labcorp); PubMed 9195222 (cited by Labcorp Genetics (formerly Invitae), Labcorp); PubMed 10752524 (cited by Labcorp Genetics (formerly Invitae), Labcorp); PubMed 14514738 (cited by Labcorp Genetics (formerly Invitae), Labcorp); PubMed 24854265 (cited by Labcorp Genetics (formerly Invitae), Labcorp); PubMed 26809805 (cited by Labcorp Genetics (formerly Invitae), Labcorp); PubMed 11223851 (cited by Labcorp Genetics (formerly Invitae), Labcorp).